The following is an entry in ClinVar:

ClinVar aggregate classification (germline): Likely pathogenic (1 of 4 stars; one submission).

Submission:

GeneDx
Classification: Likely pathogenic. Last evaluated: 2016-11-14. Review status: criteria provided, single submitter. Criteria: GeneDx Variant Classification (06012015). Collection method: clinical testing. Allele origin: germline. Affected: yes.
Comment: The Y311S variant in the EDA gene has not been reported previously as a pathogenic variant nor as a benign variant, to our knowledge. The Y311S variant was not observed in approximately 6500 individuals of European and African American ancestry in the NHLBI Exome Sequencing Project, indicating it is not a common benign variant in these populations. The Y311S variant is a semi-conservative amino acid substitution, which occurs at a position that is conserved across species. In silico analysis predicts this variant is probably damaging to the protein structure/function. Numerous missense variants in nearby residues (Q306P, Q306H, V307G, V309G, I312M, D316N) have been reported in the Human Gene Mutation Database in association with ectodermal dysplasia (Stenson et al., 2014), supporting the functional importance of this region of the protein. Therefore, we interpret Y311S as a pathogenic variant

NM_001399.5(EDA):c.932A>C (p.Tyr311Ser)

Gene: EDA (ectodysplasin A; plus strand). Cytogenetic location: Xq13.1.
Variant type: single nucleotide variant.
Coding change: c.932A>C on transcript NM_001399.5 (MANE Select); coding-DNA position 932, A replaced by C.
Protein change: p.Tyr311Ser; replaces tyrosine 311 with serine.
Molecular consequence: missense variant.
Genome position (GRCh38, 1-based): chrX:70,035,365, A>C. VCF-style: chrX-70035365-A-C. GRCh37 (hg19) VCF-style: chrX-69255215-A-C.
Other names: c.926A>C, p.Tyr309Ser (NM_001005609.2); c.917A>C, p.Tyr306Ser (NM_001005612.3); short protein forms Y311S, Y306S, Y309S.
Identifiers: ClinVar variation 373096 (VCV000373096.1), dbSNP rs1057518211, ClinGen allele CA16043303.